The following is an entry in ClinVar:

NM_000179.3(MSH6):c.643G>A (p.Val215Ile)

Gene: MSH6 (mutS homolog 6; plus strand). Cytogenetic location: 2p16.3.
Variant type: single nucleotide variant.
Coding change: c.643G>A on transcript NM_000179.3 (MANE Select); coding-DNA position 643, G replaced by A.
Protein change: p.Val215Ile; replaces valine 215 with isoleucine.
Molecular consequence: missense variant. On other transcripts: 5 prime UTR variant (2).
Genome position (GRCh38, 1-based): chr2:47,798,626, G>A. VCF-style: chr2-47798626-G-A. GRCh37 (hg19) VCF-style: chr2-48025765-G-A.
Other names: c.253G>A, p.Val85Ile (NM_001281492.2); c.-264G>A (NM_001281493.2, NM_001281494.2); short protein forms V215I, V85I.
Identifiers: ClinVar variation 216321 (VCV000216321.41), dbSNP rs145959653, ClinGen allele CA073285.
Genomic context (GRCh38, chr2:47,798,626, plus strand): 5'-TCCAAATTTTGATTTGTTTTTAAATACTCTTTCCTTGCCTGGCAGGTAGGCACAACTTAC[G>A]TAACAGATAAGAGTGAAGAAGATAATGAAATTGAGAGTGAAGAGGAAGTACAGCCTAAGA-3'
Protein context (NP_000170.1, residues 205-225): EEEMEVGTTY[Val215Ile]TDKSEEDNEI

ClinVar aggregate classification (germline): Conflicting classifications of pathogenicity. Review status: criteria provided, conflicting classifications (1 of 4 stars). 15 submissions from 14 submitters: Uncertain significance (6); Benign (1); Likely benign (3). 5 of the submissions do not count toward it. Last evaluated 2026-02-02.

Conditions:
Hereditary nonpolyposis colorectal neoplasms. Identifiers: MedGen C0009405, MeSH D003123.
Hereditary cancer-predisposing syndrome. Also called: Hereditary Cancer Syndrome; Hereditary neoplastic syndrome; Neoplastic Syndromes, Hereditary; Tumor predisposition. Identifiers: Orphanet 140162, MedGen C0027672, MeSH D009386, MONDO:0015356.
Lynch syndrome. Identifiers: Orphanet 144, MedGen C4552100, MONDO:0005835. Disease mechanism: loss of function.
Lynch syndrome 5 (LYNCH5). Also called: Hereditary non-polyposis colorectal cancer, type 5; Colorectal cancer, hereditary nonpolyposis, type 5. Identifiers: Orphanet 144, MedGen C1833477, MONDO:0013710, OMIM 614350. Disease mechanism: loss of function.
Endometrial carcinoma. Also called: Endometrial carcinoma, somatic. Identifiers: MedGen C0476089, MONDO:0002447, OMIM 608089, HP:0012114.

Allele frequency attached by ClinVar (database versions not stated): TOPMed 0.00004; gnomAD 0.00006; ESP Exome Variant Server 0.00008; 1000 Genomes Project 30x 0.00016; 1000 Genomes Project 0.00020.
gnomAD v4.1: 27 of 1,610,906 alleles (0.0017%); highest among the groups gnomAD compares: African/African-American, 0.013%; no homozygotes.

Submissions (15):

Labcorp Genetics (formerly Invitae), Labcorp
Classification: Benign for Hereditary nonpolyposis colorectal neoplasms. Last evaluated: 2026-02-02. Review status: criteria provided, single submitter. Criteria: Invitae Variant Classification Sherloc (09022015). Collection method: clinical testing. Allele origin: germline.

Myriad Genetics, Inc.
Classification: Likely benign for Lynch syndrome 5. Last evaluated: 2024-12-19. Review status: criteria provided, single submitter. Criteria: Myriad Autosomal Dominant, Autosomal Recessive and X-Linked Classification Criteria (2023). Collection method: clinical testing. Allele origin: unknown.
Comment: This variant is considered likely benign. This variant is strongly associated with less severe personal and family histories of cancer, typical for individuals without pathogenic variants in this gene [PMID: 27363726].

Color Diagnostics, LLC DBA Color Health
Classification: Likely benign for Hereditary cancer-predisposing syndrome. Last evaluated: 2024-10-02. Review status: criteria provided, single submitter. Criteria: ACMG Guidelines, 2015. Collection method: clinical testing. Allele origin: germline.

St. Jude Molecular Pathology, St. Jude Children's Research Hospital
Classification: Uncertain significance for Lynch syndrome 5. Last evaluated: 2024-06-23. Review status: criteria provided, single submitter. Criteria: St. Jude Assertion Criteria 2020. Collection method: clinical testing. Allele origin: germline.

Ambry Genetics
Classification: Likely benign for Hereditary cancer-predisposing syndrome. Last evaluated: 2023-12-29. Review status: criteria provided, single submitter. Criteria: Ambry Variant Classification Scheme 2023. Collection method: clinical testing. Allele origin: germline.

Quest Diagnostics Nichols Institute San Juan Capistrano
Classification: Uncertain significance. Last evaluated: 2023-11-13. Review status: criteria provided, single submitter. Criteria: Quest Diagnostics criteria. Collection method: clinical testing. Allele origin: unknown.
Comment: The MSH6 c.643G>A (p.Val215Ile) variant has been reported in the published literature in individuals with endometrial cancer (PMID: 23104009 (2012)) and breast and/or ovarian cancer (PMIDs: 35449176 (2022), 34284872 (2022)). In a large breast cancer association study, this variant was reported both in healthy individuals and individuals with breast cancer (PMID: 33471991 (2021), see also LOVD). The frequency of this variant in the general population, 0.00025 (5/19862 chromosomes (Genome Aggregation Database)), is uninformative in the assessment of its pathogenicity. Analysis of this variant using bioinformatics tools for the prediction of the effect of amino acid changes on protein structure and function yielded predictions that this variant is benign. Based on the available information, we are unable to determine the clinical significance of this variant.

Baylor Genetics
Classification: Uncertain significance for Endometrial carcinoma. Last evaluated: 2023-10-15. Review status: criteria provided, single submitter. Criteria: ACMG Guidelines, 2015. Collection method: clinical testing. Allele origin: unknown.

GeneDx
Classification: Uncertain significance. Last evaluated: 2023-09-07. Review status: criteria provided, single submitter. Criteria: GeneDx Variant Classification Process June 2021. Collection method: clinical testing. Allele origin: germline. Affected: yes.
Comment: In silico analysis supports that this missense variant does not alter protein structure/function; Observed in an individual with a microsatellite stable serous endometrial tumor, as well as both cases and controls in a breast cancer study (Le Gallo et al., 2012; Dorling et al., 2021); This variant is associated with the following publications: (PMID: 33294277, 21437237, 23104009, 23621914, 33471991, 37226842)

Sema4
Classification: Uncertain significance for Hereditary cancer-predisposing syndrome. Last evaluated: 2022-02-22. Review status: criteria provided, single submitter. Criteria: Sema4 Curation Guidelines. Collection method: curation. Allele origin: germline.
Comment: The MSH6 c.643G>A (p.V215I) variant has been reported in a large case-control study in 11/60466 breast cancer cases and in 7/53461 controls (PMID: 33471991). It was observed in 5/19862 chromosomes of the East Asian subpopulation in the large and broad cohorts of the Genome Aggregation Database (PMID: 32461654). The variant has been reported in ClinVar (Variation ID 216321). Functional studies have not been performed, and in silico predictions of the variant's effect on protein function are inconclusive. Thus, the clinical significance of this variant is currently uncertain.

St. Jude Molecular Pathology, St. Jude Children's Research Hospital
Classification: Uncertain significance for Lynch syndrome. Last evaluated: 2020-10-15. Review status: criteria provided, single submitter. Criteria: St. Jude Assertion Criteria 2020. Collection method: clinical testing. Allele origin: germline.
Comment: The MSH6 c.643G>A (p.Val215Ile) missense change has a maximal subpopulation frequency of 0.025% in gnomAD v2.1.1. Five of six in silico tools predict a benign effect of this variant on protein function (BP4), but these predictions have not been confirmed by functional studies. This variant has been reported in an individual with colorectal adenoma (PMID: 29245953). In summary, this variant meets criteria to be classified as of uncertain significance based on the ACMG/AMP criteria: BP4.

Counsyl
Classification: Uncertain significance for Lynch syndrome 5. Last evaluated: 2018-02-16. Review status: no assertion criteria provided. Collection method: clinical testing. Allele origin: unknown. Not counted in ClinVar's aggregate classification.

Clinical Genetics, Academic Medical Center
Classification: Likely benign. Review status: no assertion criteria provided. Collection method: clinical testing. Allele origin: germline. Affected: yes. Study: VKGL Data-share Consensus. Not counted in ClinVar's aggregate classification.

Genome Diagnostics Laboratory, University Medical Center Utrecht
Classification: Likely benign. Review status: no assertion criteria provided. Collection method: clinical testing. Allele origin: germline. Affected: yes. Study: VKGL Data-share Consensus. Not counted in ClinVar's aggregate classification.

Joint Genome Diagnostic Labs from Nijmegen and Maastricht, Radboudumc and MUMC+
Classification: Likely benign. Review status: no assertion criteria provided. Collection method: clinical testing. Allele origin: germline. Affected: yes. Study: VKGL Data-share Consensus. Not counted in ClinVar's aggregate classification.

Mayo Clinic Laboratories, Mayo Clinic
Classification: Uncertain significance. Review status: no assertion criteria provided. Collection method: clinical testing. Allele origin: unknown. Not counted in ClinVar's aggregate classification.

Literature cited by the submitters: PubMed 27363726 (cited by Myriad Genetics, Inc.); PubMed 23621914 (cited by Quest Diagnostics Nichols Institute San Juan Capistrano); PubMed 23104009 (cited by Quest Diagnostics Nichols Institute San Juan Capistrano and Counsyl); PubMed 33471991 (cited by Quest Diagnostics Nichols Institute San Juan Capistrano and Sema4); PubMed 35449176 (cited by Quest Diagnostics Nichols Institute San Juan Capistrano); PubMed 34284872 (cited by Quest Diagnostics Nichols Institute San Juan Capistrano).